The following is an entry in ClinVar:

ClinVar aggregate classification (germline): Uncertain significance (1 of 4 stars; one submission).

Allele frequency attached by ClinVar (database versions not stated): gnomAD exomes below 0.00001.
gnomAD v4.1: 2 of 1,569,492 alleles (0.00013%); highest among the groups gnomAD compares: East Asian, 0.0023%; no homozygotes.

Submission:

GeneDx
Classification: Uncertain significance. Last evaluated: 2016-10-27. Review status: criteria provided, single submitter. Criteria: GeneDx Variant Classification (06012015). Collection method: clinical testing. Allele origin: germline. Affected: yes.
Comment: The c.1047-3 C>T variant of uncertain significance in the MAP2K2 gene has not been published as a pathogenic variant, norhas it been reported as a benign variant to our knowledge. The c.1047-3 C>T variant was not observed in approximately6,500 individuals of European and African American ancestry in the NHLBI Exome Sequencing Project, indicating it is nota common benign variant in these populations. Although this variant occurs at a nucleotide position that is conservedthrough species, in silico splice prediction algorithms predict that c.1047-3 C>T does not affect splicing. However, in theabsence of functional mRNA studies, the physiological consequence of this variant cannot be precisely determined.Nevertheless, no splice site variants in the MAP2K2 gene have been reported in HGMD in association with cardiacabnormalities (Stenson et al., 2014).Therefore, based on the currently available information, it is unclear whether this variant is pathogenic or rare benign.

NM_030662.4(MAP2K2):c.1047-3C>T

Gene: MAP2K2 (mitogen-activated protein kinase kinase 2; minus strand). Cytogenetic location: 19p13.3.
Variant type: single nucleotide variant.
Coding change: c.1047-3C>T on transcript NM_030662.4 (MANE Select); 3 bases into the intron before coding-DNA position 1047, C replaced by T.
Molecular consequence: intron variant.
Genome position (GRCh38, 1-based): chr19:4,094,501, G>A on the plus strand (C>T on the coding strand, the complement: MAP2K2 is on the minus strand). VCF-style: chr19-4094501-G-A. GRCh37 (hg19) VCF-style: chr19-4094499-G-A.
Identifiers: ClinVar variation 373028 (VCV000373028.1), dbSNP rs1002166872, ClinGen allele CA16043104.
Genomic context (GRCh38, chr19:4,094,501, plus strand): 5'-GGCATCACTCACTGTGAGCATCTTCAGGTCCGCCCGCTCCGCTGGGTTCTTGATGAGGCT[G>A]GGGGTTCCAAGAGGCAGGACCGGGAGGCGGTGGAGGAGACAAGACAGGGCAGTCAGCTGG-3'